The following is an entry in ClinVar:

NM_000051.4(ATM):c.5624G>C (p.Arg1875Pro)

Gene: ATM (ATM serine/threonine kinase; plus strand). Cytogenetic location: 11q22.3.
Variant type: single nucleotide variant.
Coding change: c.5624G>C on transcript NM_000051.4 (MANE Select); coding-DNA position 5624, G replaced by C.
Protein change: p.Arg1875Pro; replaces arginine 1875 with proline.
Molecular consequence: missense variant.
Genome position (GRCh38, 1-based): chr11:108,304,802, G>C. VCF-style: chr11-108304802-G-C. GRCh37 (hg19) VCF-style: chr11-108175529-G-C.
Other names: c.5624G>C, p.Arg1875Pro (NM_001351834.2); short protein forms R1875P.
Identifiers: ClinVar variation 453591 (VCV000453591.21), dbSNP rs762304746, ClinGen allele CA6265738.

ClinVar aggregate classification (germline): Uncertain significance. Review status: criteria provided, multiple submitters, no conflicts (2 of 4 stars). 7 submissions from 7 submitters: Uncertain significance (5). 2 of the submissions do not count toward it. Last evaluated 2025-12-03.

Conditions:
ATM-related disorder. Also called: ATM-related disorders; ATM-related condition.
Hereditary cancer-predisposing syndrome. Also called: Tumor predisposition; Hereditary Cancer Syndrome; Neoplastic Syndromes, Hereditary; Hereditary neoplastic syndrome. Identifiers: Orphanet 140162, MedGen C0027672, MeSH D009386, MONDO:0015356.
Familial cancer of breast. Also called: Hereditary breast cancer; hereditary breast carcinoma; BREAST CANCER, FAMILIAL. Identifiers: Orphanet 227535, MedGen C0346153, MONDO:0016419, OMIM 114480. Disease mechanism: loss of function.
Ataxia-telangiectasia syndrome (AT). Also called: Cerebello-oculocutaneous telangiectasia; Immunodeficiency with ataxia telangiectasia; Ataxia-telangiectasia, complementation group D; AT, COMPLEMENTATION GROUP C; Ataxia-telangiectasia, complementation group E; LOUIS-BAR SYNDROME. Identifiers: Orphanet 100, MedGen C0004135, MONDO:0008840, OMIM 208900.

Allele frequency attached by ClinVar (database versions not stated): TOPMed 0.00001.
gnomAD v4.1: 4 of 1,613,330 alleles (0.00025%); highest among the groups gnomAD compares: African/African-American, 0.0027%; no homozygotes.

Submissions (7):

Labcorp Genetics (formerly Invitae), Labcorp
Classification: Uncertain significance for Ataxia-telangiectasia syndrome. Last evaluated: 2025-12-03. Review status: criteria provided, single submitter. Criteria: Invitae Variant Classification Sherloc (09022015). Collection method: clinical testing. Allele origin: germline.
Comment: This sequence change replaces arginine, which is basic and polar, with proline, which is neutral and non-polar, at codon 1875 of the ATM protein (p.Arg1875Pro). This variant is not present in population databases (gnomAD no frequency). This variant has not been reported in the literature in individuals affected with ATM-related conditions. ClinVar contains an entry for this variant (Variation ID: 453591). Invitae Evidence Modeling of protein sequence and biophysical properties (such as structural, functional, and spatial information, amino acid conservation, physicochemical variation, residue mobility, and thermodynamic stability) indicates that this missense variant is not expected to disrupt ATM protein function with a negative predictive value of 95%. In summary, the available evidence is currently insufficient to determine the role of this variant in disease. Therefore, it has been classified as a Variant of Uncertain Significance.

Ambry Genetics
Classification: Uncertain significance for Hereditary cancer-predisposing syndrome. Last evaluated: 2025-01-28. Review status: criteria provided, single submitter. Criteria: Ambry Variant Classification Scheme 2023. Collection method: clinical testing. Allele origin: germline.
Comment: The p.R1875P variant (also known as c.5624G>C), located in coding exon 36 of the ATM gene, results from a G to C substitution at nucleotide position 5624. The arginine at codon 1875 is replaced by proline, an amino acid with dissimilar properties. This variant was observed in 1/3251 individuals who met eligibility criteria for hereditary breast and ovarian cancer syndrome (Lerner-Ellis J et al. J Cancer Res Clin Oncol, 2021 Mar;147:871-879). This amino acid position is not well conserved in available vertebrate species. In addition, the in silico prediction for this alteration is inconclusive. Based on the available evidence, the clinical significance of this variant remains unclear.

Neuberg Centre For Genomic Medicine, NCGM
Classification: Uncertain significance for Familial cancer of breast. Last evaluated: 2023-05-20. Review status: criteria provided, single submitter. Criteria: ACMG Guidelines, 2015. Collection method: clinical testing. Allele origin: germline. Inheritance: Autosomal dominant inheritance. Affected: yes.
Comment: The observed missense variant c.5624G>C(p.Arg1875Pro) in the ATM gene has not been reported previously as a pathogenic variant nor as a benign variant, to our knowledge. This variant is reported with the allele frequency 0.004% in the gnomAD Exomes. This variant has been reported to the ClinVar database as Uncertain significance by multiple submitters. However no details are available for independent assessment. The amino acid Arginine at position 1875 is changed to a Proline changing protein sequence and it might alter its composition and physico-chemical properties. Multiple lines of computational evidence (Polyphen - Possibly Damaging, SIFT - Damaging and MutationTaster - Disease causing) predict a damaging effect on protein structure and function for this variant. The residue is conserved by GERP++ and PhyloP across 100 vertebrates. For these reasons, this variant has been classified as Uncertain Significance.

PreventionGenetics, part of Exact Sciences
Classification: Uncertain significance for ATM-related condition. Last evaluated: 2023-04-28. Review status: criteria provided, single submitter. Criteria: ACMG Guidelines, 2015. Collection method: clinical testing. Allele origin: germline.
Comment: The ATM c.5624G>C variant is predicted to result in the amino acid substitution p.Arg1875Pro. This variant has been reported in an unaffected individual with a family history suggestive of hereditary breast/ovarian cancer (Supplemental File 1 - Lerner-Ellis et al. 2020. PubMed ID: 32885271). This variant is reported in 0.0062% of alleles in individuals of African descent in gnomAD and is interpreted as uncertain in ClinVar. At this time, the clinical significance of this variant is uncertain due to the absence of conclusive functional and genetic evidence.

GeneDx
Classification: Uncertain significance. Last evaluated: 2023-01-26. Review status: criteria provided, single submitter. Criteria: GeneDx Variant Classification Process June 2021. Collection method: clinical testing. Allele origin: germline. Affected: yes.
Comment: Not observed at significant frequency in large population cohorts (gnomAD); In silico analysis supports that this missense variant does not alter protein structure/function; Identified in an individual with personal or family history suggestive of hereditary breast and ovarian cancer (Lerner-Ellis et al., 2021); This variant is associated with the following publications: (PMID: 32885271)

Counsyl
Classification: Uncertain significance for Ataxia-telangiectasia syndrome. Last evaluated: 2018-05-08. Review status: no assertion criteria provided. Collection method: clinical testing. Allele origin: unknown. Not counted in ClinVar's aggregate classification.

Department of Pathology and Laboratory Medicine, Sinai Health System
Classification: Uncertain significance. Review status: no assertion criteria provided. Collection method: clinical testing. Allele origin: unknown. Affected: yes. Observed: 1 variant allele. Study: The Canadian Open Genetics Repository (COGR). Not counted in ClinVar's aggregate classification.
Comment: The ATM p.Arg1875Pro variant was not identified in the literature nor was it identified in the following databases: COGR, ClinVar, Clinvitae, Cosmic, MutDB, LOVD 3.0, the 1000 Genomes Project, the NHLBI GO Exome Sequencing Project, or the Genome Aggregation Database (Feb 27, 2017). The variant was identified in dbSNP (ID rs762304746) â€šÃ„ÃºWith Uncertain significanceâ€šÃ„Ã¹ allele and in the Exome Aggregation Consortium (August 8th 2016), in 1 of 120274 chromosomes (frequency: 0.000008) in the African population (10256 chromosomes, frequency: 0.0001); it was not observed in the East Asian, European (Finnish), European (Non-Finnish), Latino, â€šÃ„Ã²Otherâ€šÃ„Ã´ and South Asian populations. The p.Arg1875 residue is not conserved in mammals and computational analyses (PolyPhen-2, SIFT, AlignGVGD, BLOSUM, MutationTaster) provide inconsistent predictions regarding the impact of the variant Pro to the protein; this information is not very predictive of pathogenicity. The variant occurs outside of the splicing consensus sequence and in silico or computational prediction software programs (SpliceSiteFinder, MaxEntScan, NNSPLICE, GeneSplicer, HumanSpliceFinder) do not predict a difference in splicing. In summary, based on the above information the clinical significance of this variant cannot be determined with certainty at this time. This variant is classified as a variant of uncertain significance.

Literature cited by the submitters: PubMed 32885271 (cited by Ambry Genetics).